The following is an entry in ClinVar:

NM_005343.4(HRAS):c.112-11T>A

Genes: HRAS (HRas proto-oncogene, GTPase; minus strand), LRRC56 (leucine rich repeat containing 56; plus strand). Cytogenetic location: 11p15.5.
Variant type: single nucleotide variant.
Coding change: c.112-11T>A on transcript NM_005343.4 (MANE Select); 11 bases into the intron before coding-DNA position 112, T replaced by A.
Molecular consequence: intron variant.
Genome position (GRCh38, 1-based): chr11:533,955, A>T on the plus strand (T>A on the coding strand, the complement: HRAS is on the minus strand). VCF-style: chr11-533955-A-T. GRCh37 (hg19) VCF-style: chr11-533955-A-T.
Other names: c.112-11T>A (NM_001130442.3, NM_176795.5); c.-208-11T>A (NM_001318054.2).
Identifiers: ClinVar variation 2155439 (VCV002155439.4), dbSNP rs2539799291, ClinGen allele CA2580083850.

ClinVar aggregate classification (germline): Uncertain significance (1 of 4 stars; one submission).

Conditions:
Costello syndrome (CSTLO). Also called: FCS SYNDROME; FACIOCUTANEOSKELETAL SYNDROME; HRAS-Related Costello Syndrome. Identifiers: Orphanet 3071, MedGen C0587248, MONDO:0009026, OMIM 218040.

Submission:

Labcorp Genetics (formerly Invitae), Labcorp
Classification: Uncertain significance for Costello syndrome. Last evaluated: 2022-04-19. Review status: criteria provided, single submitter. Criteria: Invitae Variant Classification Sherloc (09022015). Collection method: clinical testing. Allele origin: germline.
Comment: This variant is not present in population databases (gnomAD no frequency). This sequence change falls in intron 2 of the HRAS gene. It does not directly change the encoded amino acid sequence of the HRAS protein. In summary, the available evidence is currently insufficient to determine the role of this variant in disease. Therefore, it has been classified as a Variant of Uncertain Significance. Algorithms developed to predict the effect of sequence changes on RNA splicing suggest that this variant may create or strengthen a splice site. This variant has not been reported in the literature in individuals affected with HRAS-related conditions.